The following is an entry in ClinVar:

ClinVar aggregate classification (germline): Uncertain significance (1 of 4 stars; one submission).

Conditions:
Cardiovascular phenotype. Identifiers: MedGen CN230736.

Allele frequency attached by ClinVar (database versions not stated): gnomAD exomes below 0.00001.
gnomAD v4.1: 1 of 1,613,366 alleles (0.000062%); highest among the groups gnomAD compares: Non-Finnish European, 0.000085%; no homozygotes.

Submission:

Ambry Genetics
Classification: Uncertain significance for Cardiovascular phenotype. Last evaluated: 2022-01-28. Review status: criteria provided, single submitter. Criteria: Ambry Variant Classification Scheme 2023. Collection method: clinical testing. Allele origin: germline.
Comment: The p.V471I variant (also known as c.1411G>A), located in coding exon 12 of the PRDM5 gene, results from a G to A substitution at nucleotide position 1411. The valine at codon 471 is replaced by isoleucine, an amino acid with highly similar properties. This amino acid position is highly conserved in available vertebrate species. In addition, this alteration is predicted to be tolerated by in silico analysis. Since supporting evidence is limited at this time, the clinical significance of this alteration remains unclear.

NM_018699.4(PRDM5):c.1411G>A (p.Val471Ile)

Gene: PRDM5 (PR/SET domain 5; minus strand). Cytogenetic location: 4q27.
Variant type: single nucleotide variant.
Coding change: c.1411G>A on transcript NM_018699.4 (MANE Select); coding-DNA position 1411, G replaced by A.
Protein change: p.Val471Ile; replaces valine 471 with isoleucine.
Molecular consequence: missense variant.
Genome position (GRCh38, 1-based): chr4:120,781,175, C>T on the plus strand (G>A on the coding strand, the complement: PRDM5 is on the minus strand). VCF-style: chr4-120781175-C-T. GRCh37 (hg19) VCF-style: chr4-121702330-C-T.
Other names: c.1318G>A, p.Val440Ile (NM_001300823.2, NM_001300824.2, NM_001379106.1); c.1444G>A, p.Val482Ile (NM_001379104.1); short protein forms V440I, V471I, V482I.
Identifiers: ClinVar variation 1772050 (VCV001772050.2), dbSNP rs2477149071, ClinGen allele CA358208743.